The following is an entry in ClinVar:

NM_032444.4(SLX4):c.2013+2T>A

Gene: SLX4 (SLX4 structure-specific endonuclease subunit; minus strand). Cytogenetic location: 16p13.3.
Variant type: single nucleotide variant.
Coding change: c.2013+2T>A on transcript NM_032444.4 (MANE Select); the canonical splice donor site of the intron after coding-DNA position 2013, T replaced by A.
Molecular consequence: splice donor variant.
Genome position (GRCh38, 1-based): chr16:3,595,603, A>T on the plus strand (T>A on the coding strand, the complement: SLX4 is on the minus strand). VCF-style: chr16-3595603-A-T. GRCh37 (hg19) VCF-style: chr16-3645604-A-T.
Identifiers: ClinVar variation 929584 (VCV000929584.1), dbSNP rs2040642702, ClinGen allele CA394526461.
Genomic context (GRCh38, chr16:3,595,603, plus strand): 5'-ACCACACACATGGCAAGTGGGATGGCCGGGACCAGAGAGCGCGGGCCAGAGCCAGTTCTT[A>T]CCAAGGTGCGGCCGCCCCTGTCCGGGTGCTTGTCCTGCGATGGCACCACAAACCCAGTCA-3'

ClinVar aggregate classification (germline): Pathogenic (0 of 4 stars; one submission).

Submission:

Leiden Open Variation Database
Classification: Pathogenic. Last evaluated: 2012-08-31. Review status: no assertion criteria provided. Collection method: curation. Allele origin: germline. Affected: yes.
Comment: Curator: Arleen D. Auerbach. Submitter to LOVD: Janine Bakker.

Literature cited by the submitters: PubMed 22911665.